The following is an entry in ClinVar:

NM_001040142.2(SCN2A):c.1291C>G (p.Gln431Glu)

Gene: SCN2A (sodium voltage-gated channel alpha subunit 2; plus strand). Cytogenetic location: 2q24.3.
Variant type: single nucleotide variant.
Coding change: c.1291C>G on transcript NM_001040142.2 (MANE Select); coding-DNA position 1291, C replaced by G.
Protein change: p.Gln431Glu; replaces glutamine 431 with glutamic acid.
Molecular consequence: missense variant.
Genome position (GRCh38, 1-based): chr2:165,314,016, C>G. VCF-style: chr2-165314016-C-G. GRCh37 (hg19) VCF-style: chr2-166170526-C-G.
Other names: c.1291C>G, p.Gln431Glu (NM_001040143.2, NM_001371246.1, NM_001371247.1 and 1 more transcripts); short protein forms Q431E.
Identifiers: ClinVar variation 4534858 (VCV004534858.6).
Genomic context (GRCh38, chr2:165,314,016, plus strand): 5'-TTGGGCTCATTCTATCTAATAAATTTGATCTTGGCTGTGGTGGCCATGGCCTATGAGGAA[C>G]AGAATCAGGCCACATTGGAAGAGGCTGAACAGAAGGAAGCTGAATTTCAGCAGATGCTCG-3'
Protein context (NP_001035232.1, residues 421-441): LAVVAMAYEE[Gln431Glu]NQATLEEAEQ

ClinVar aggregate classification (germline): Uncertain significance (1 of 4 stars; one submission).

Submission:

CeGaT Center for Human Genetics Tuebingen
Classification: Uncertain significance. Last evaluated: 2025-10-01. Review status: criteria provided, single submitter. Criteria: CeGaT Center For Human Genetics Tuebingen Variant Classification Criteria Version 2. Collection method: clinical testing. Allele origin: germline. Affected: yes. Observed: 1 variant allele.
Comment: SCN2A: PM2, PP2